The following is an entry in ClinVar:

NM_001367624.2(ZNF469):c.3549C>G (p.Ala1183=)

Gene: ZNF469 (zinc finger protein 469; plus strand). Cytogenetic location: 16q24.2.
Variant type: single nucleotide variant.
Coding change: c.3549C>G on transcript NM_001367624.2 (MANE Select); coding-DNA position 3549, C replaced by G.
Protein change: p.Ala1183=; no amino-acid change (alanine 1183 retained).
Molecular consequence: synonymous variant.
Genome position (GRCh38, 1-based): chr16:88,431,019, C>G. VCF-style: chr16-88431019-C-G. GRCh37 (hg19) VCF-style: chr16-88497427-C-G.
Identifiers: ClinVar variation 4849030 (VCV004849030.1).

ClinVar aggregate classification (germline): Likely benign (1 of 4 stars; one submission).

Submission:

Women's Health and Genetics/Laboratory Corporation of America, LabCorp
Classification: Likely benign. Last evaluated: 2026-04-27. Review status: criteria provided, single submitter. Criteria: LabCorp Variant Classification Summary - May 2015. Collection method: clinical testing. Allele origin: germline.
Comment: Variant summary: ZNF469 c.3549C>G results in a synonymous change. Consensus agreement among computation tools predict no significant impact on normal splicing. However, these predictions have yet to be confirmed by functional studies. The variant was absent in 143448 control chromosomes. The available data on variant occurrences in the general population are insufficient to allow any conclusion about variant significance. To our knowledge, no occurrence of c.3549C>G in individuals affected with ZNF469-related conditions and no experimental evidence demonstrating its impact on protein function have been reported. No submitters have cited clinical-significance assessments for this variant to ClinVar. Based on the evidence outlined above, the variant was classified as likely benign.